The following is an entry in ClinVar:

ClinVar aggregate classification (germline): Uncertain significance (1 of 4 stars; one submission).

Submission:

GeneDx
Classification: Uncertain significance. Last evaluated: 2023-07-20. Review status: criteria provided, single submitter. Criteria: GeneDx Variant Classification Process June 2021. Collection method: clinical testing. Allele origin: germline. Affected: yes.
Comment: Not observed at significant frequency in large population cohorts (gnomAD); In silico analysis supports that this missense variant has a deleterious effect on protein structure/function; Has not been previously published as pathogenic or benign to our knowledge

NM_001385012.1(NBEA):c.8709C>A (p.Asp2903Glu)

Gene: NBEA (neurobeachin; plus strand). Cytogenetic location: 13q13.3.
Variant type: single nucleotide variant.
Coding change: c.8709C>A on transcript NM_001385012.1 (MANE Select); coding-DNA position 8709, C replaced by A.
Protein change: p.Asp2903Glu; replaces aspartic acid 2903 with glutamic acid.
Molecular consequence: missense variant.
Genome position (GRCh38, 1-based): chr13:35,668,415, C>A. VCF-style: chr13-35668415-C-A. GRCh37 (hg19) VCF-style: chr13-36242552-C-A.
Other names: c.2025C>A, p.Asp675Glu (NM_001204197.3); c.8700C>A, p.Asp2900Glu (NM_001379245.1); c.8646C>A, p.Asp2882Glu (NM_015678.5); short protein forms D2882E, D2900E, D2903E, D675E.
Identifiers: ClinVar variation 3361043 (VCV003361043.1).